The following is an entry in ClinVar:

NM_004963.4(GUCY2C):c.2302C>G (p.Leu768Val)

Gene: GUCY2C (guanylate cyclase 2C; minus strand). Cytogenetic location: 12p12.3.
Variant type: single nucleotide variant.
Coding change: c.2302C>G on transcript NM_004963.4 (MANE Select); coding-DNA position 2302, C replaced by G.
Protein change: p.Leu768Val; replaces leucine 768 with valine.
Molecular consequence: missense variant.
Genome position (GRCh38, 1-based): chr12:14,625,863, G>C on the plus strand (C>G on the coding strand, the complement: GUCY2C is on the minus strand). VCF-style: chr12-14625863-G-C. GRCh37 (hg19) VCF-style: chr12-14778797-G-C.
Other names: short protein forms L768V.
Identifiers: ClinVar variation 3346527 (VCV003346527.1).

ClinVar aggregate classification (germline): Uncertain significance (0 of 4 stars; one submission).

Conditions:
GUCY2C-related disorder. Also called: GUCY2C-related condition.

Submission:

PreventionGenetics, part of Exact Sciences
Classification: Uncertain significance for GUCY2C-related condition. Last evaluated: 2024-08-13. Review status: no assertion criteria provided. Collection method: clinical testing. Allele origin: germline.
Comment: The GUCY2C c.2302C>G variant is predicted to result in the amino acid substitution p.Leu768Val. To our knowledge, this variant has not been reported in the literature or in a large population database, indicating this variant is rare. At this time, the clinical significance of this variant is uncertain due to the absence of conclusive functional and genetic evidence.